The following is an entry in ClinVar:

NM_032444.4(SLX4):c.845C>T (p.Ser282Leu)

Gene: SLX4 (SLX4 structure-specific endonuclease subunit; minus strand). Cytogenetic location: 16p13.3.
Variant type: single nucleotide variant.
Coding change: c.845C>T on transcript NM_032444.4 (MANE Select); coding-DNA position 845, C replaced by T.
Protein change: p.Ser282Leu; replaces serine 282 with leucine.
Molecular consequence: missense variant.
Genome position (GRCh38, 1-based): chr16:3,602,223, G>A on the plus strand (C>T on the coding strand, the complement: SLX4 is on the minus strand). VCF-style: chr16-3602223-G-A. GRCh37 (hg19) VCF-style: chr16-3652224-G-A.
Other names: c.845C>T (LRG_503t1); short protein forms S282L.
Identifiers: ClinVar variation 526411 (VCV000526411.14), dbSNP rs138618354, ClinGen allele CA7866727.

ClinVar aggregate classification (germline): Uncertain significance. Review status: criteria provided, multiple submitters, no conflicts (2 of 4 stars). 6 submissions from 6 submitters: Uncertain significance (6). Last evaluated 2024-05-19.

Conditions:
Fanconi anemia complementation group P. Also called: SLX4-Related Fanconi Anemia. Identifiers: Orphanet 84, MedGen C3469542, MONDO:0013499, OMIM 613951.
Fanconi anemia (FA). Also called: Fanconi's anemia. Identifiers: Orphanet 84, MedGen C0015625, MeSH D005199, MONDO:0019391.

Allele frequency attached by ClinVar (database versions not stated): gnomAD exomes 0.00007 and 0.00017; ExAC 0.00008; TOPMed 0.00011; gnomAD 0.00013 and 0.00015; ESP Exome Variant Server 0.00015.

Submissions (6):

GeneDx
Classification: Uncertain significance. Last evaluated: 2024-05-19. Review status: criteria provided, single submitter. Criteria: GeneDx Variant Classification Process June 2021. Collection method: clinical testing. Allele origin: germline. Affected: yes.
Comment: In silico analysis indicates that this missense variant does not alter protein structure/function; Has not been previously published as pathogenic or benign to our knowledge

Fulgent Genetics
Classification: Uncertain significance for Fanconi anemia complementation group P. Last evaluated: 2024-03-05. Review status: criteria provided, single submitter. Criteria: ACMG Guidelines, 2015. Collection method: clinical testing. Allele origin: germline.

Labcorp Genetics (formerly Invitae), Labcorp
Classification: Uncertain significance for Fanconi anemia. Last evaluated: 2022-10-05. Review status: criteria provided, single submitter. Criteria: Invitae Variant Classification Sherloc (09022015). Collection method: clinical testing. Allele origin: germline.
Comment: This sequence change replaces serine, which is neutral and polar, with leucine, which is neutral and non-polar, at codon 282 of the SLX4 protein (p.Ser282Leu). This variant is present in population databases (rs138618354, gnomAD 0.01%). This variant has not been reported in the literature in individuals affected with SLX4-related conditions. ClinVar contains an entry for this variant (Variation ID: 526411). Algorithms developed to predict the effect of missense changes on protein structure and function are either unavailable or do not agree on the potential impact of this missense change (SIFT: "Deleterious"; PolyPhen-2: "Possibly Damaging"; Align-GVGD: "Class C0"). In summary, the available evidence is currently insufficient to determine the role of this variant in disease. Therefore, it has been classified as a Variant of Uncertain Significance.

Baylor Genetics
Classification: Uncertain significance for Fanconi anemia complementation group P. Last evaluated: 2021-07-23. Review status: criteria provided, single submitter. Criteria: ACMG Guidelines, 2015. Collection method: clinical testing. Allele origin: maternal. Affected: yes. Study: CSER-TexasKidsCanSeq.
Comment: This variant was determined to be of uncertain significance according to ACMG Guidelines, 2015 [PMID:25741868].

Sema4
Classification: Uncertain significance for Fanconi anemia. Last evaluated: 2021-05-17. Review status: criteria provided, single submitter. Criteria: Sema4 Curation Guidelines. Collection method: curation. Allele origin: germline.
Comment: The SLX4 c.845C>T (p.S282L) variant has not been reported in the literature to our knowledge. It was observed in 17/129174 chromosomes of the Non-Finnish European subpopulation, with no homozygotes, in the large and broad cohorts of the Genome Aggregation Database. The variant has been reported in ClinVar (Variation ID 526411). This variant involves a not conserved amino acid, and computational analyses do not provide strong support for or against an impact to the protein, though these predictions have not been confirmed by functional studies. The evidence is insufficient to meet ACMG/AMP criteria for classifying the variant as benign or pathogenic. Thus, the clinical significance of this variant is currently uncertain.

Illumina Laboratory Services, Illumina
Classification: Uncertain significance for Fanconi anemia complementation group P. Last evaluated: 2018-01-13. Review status: criteria provided, single submitter. Criteria: ICSL Variant Classification Criteria 13 December 2019. Collection method: clinical testing. Allele origin: germline.